The following is an entry in ClinVar:

NM_000180.4(GUCY2D):c.2291del (p.Pro764fs)

Gene: GUCY2D (guanylate cyclase 2D, retinal; plus strand). Cytogenetic location: 17p13.1.
Variant type: Deletion.
Coding change: c.2291del on transcript NM_000180.4 (MANE Select); coding-DNA position 2291, one base deleted (C; older notation c.2291delC).
Protein change: p.Pro764fs; shifts the reading frame from proline 764.
Molecular consequence: frameshift variant.
Genome position (GRCh38, 1-based): chr17:8,013,907, C deleted; the last of 6 consecutive C bases (chr17:8,013,902-8,013,907); deleting any one gives the same sequence. VCF-style (leftmost placement, unchanged base first): chr17-8013901-GC-G. GRCh37 (hg19) VCF-style: chr17-7917219-GC-G.
Other names: short protein forms P764fs.
Identifiers: ClinVar variation 2142901 (VCV002142901.8), dbSNP rs772242251, ClinGen allele CA8366079.

ClinVar aggregate classification (germline): Pathogenic/Likely pathogenic. Review status: criteria provided, multiple submitters, no conflicts (2 of 4 stars). 5 submissions from 5 submitters: Pathogenic (4); Likely pathogenic (1). Last evaluated 2025-07-02.

Conditions:
Cone-rod dystrophy 6 (CORD6). Also called: RETINAL CONE DYSTROPHY 2; Cone dystrophy progressive. Identifiers: Orphanet 1872, MedGen C1866293, MONDO:0011143, OMIM 601777.
Choroidal dystrophy, central areolar, 1. Identifiers: Orphanet 75377, MedGen C4551884, MONDO:0024539, OMIM 215500.
Night blindness, congenital stationary, type1i. Also called: NIGHT BLINDNESS, CONGENITAL STATIONARY, TYPE 1I. Identifiers: MedGen C5231408, MONDO:0032811, OMIM 618555.
Leber congenital amaurosis 1 (LCA1). Also called: RETINAL BLINDNESS, CONGENITAL; Congenital absence of the rods and cones; Leber's congenital tapetoretinal degeneration; Leber's congenital tapetoretinal dysplasia; AMAUROSIS CONGENITA OF LEBER I. Identifiers: Orphanet 65, MedGen C2931258, MONDO:0008764, OMIM 204000.
GUCY2D-related disorders.
Retinal dystrophy. Also called: Inherited retinal dystrophy. Identifiers: Orphanet 71862, MedGen C0854723, MeSH D058499, MONDO:0019118, HP:0000556.

Submissions (5):

Labcorp Genetics (formerly Invitae), Labcorp
Classification: Pathogenic for Leber congenital amaurosis 1; Cone-rod dystrophy 6. Last evaluated: 2025-07-02. Review status: criteria provided, single submitter. Criteria: Invitae Variant Classification Sherloc (09022015). Collection method: clinical testing. Allele origin: germline.
Comment: This sequence change creates a premature translational stop signal (p.Pro764Leufs*20) in the GUCY2D gene. It is expected to result in an absent or disrupted protein product. Loss-of-function variants in GUCY2D are known to be pathogenic (PMID: 10951519, 11328726). This variant is present in population databases (rs772242251, gnomAD 0.002%). This variant has not been reported in the literature in individuals affected with GUCY2D-related conditions. ClinVar contains an entry for this variant (Variation ID: 2142901). For these reasons, this variant has been classified as Pathogenic.

Revvity Omics, Revvity
Classification: Pathogenic. Last evaluated: 2024-09-16. Review status: criteria provided, single submitter. Criteria: ACMG Guidelines, 2015. Collection method: clinical testing. Allele origin: germline.

Fulgent Genetics
Classification: Pathogenic for Leber congenital amaurosis 1; Choroidal dystrophy, central areolar, 1; Cone-rod dystrophy 6; Night blindness, congenital stationary, type1i. Last evaluated: 2024-05-31. Review status: criteria provided, single submitter. Criteria: ACMG Guidelines, 2015. Collection method: clinical testing. Allele origin: germline.

Blueprint Genetics
Classification: Pathogenic for GUCY2D-related disorders. Last evaluated: 2021-12-03. Review status: criteria provided, single submitter. Criteria: ACMG Guidelines, 2015. Collection method: clinical testing. Allele origin: germline. Affected: yes. Observed: 5 variant alleles.

Institute of Human Genetics, Univ. Regensburg, Univ. Regensburg
Classification: Likely pathogenic for Retinal dystrophy. Last evaluated: 2011-01-01. Review status: criteria provided, single submitter. Criteria: ACMG Guidelines, 2015. Collection method: clinical testing. Allele origin: germline. Affected: yes.

Literature cited by the submitters: PubMed 10951519 (cited by Labcorp Genetics (formerly Invitae), Labcorp); PubMed 11328726 (cited by Labcorp Genetics (formerly Invitae), Labcorp); PubMed 31964843 (cited by Institute of Human Genetics, Univ. Regensburg, Univ. Regensburg); PubMed 3636964 (cited by Institute of Human Genetics, Univ. Regensburg, Univ. Regensburg).